The following is an entry in ClinVar:

NM_001042492.3(NF1):c.4060T>G (p.Ser1354Ala)

Gene: NF1 (neurofibromin 1; plus strand). Cytogenetic location: 17q11.2.
Variant type: single nucleotide variant.
Coding change: c.4060T>G on transcript NM_001042492.3 (MANE Select); coding-DNA position 4060, T replaced by G.
Protein change: p.Ser1354Ala; replaces serine 1354 with alanine.
Molecular consequence: missense variant.
Genome position (GRCh38, 1-based): chr17:31,249,069, T>G. VCF-style: chr17-31249069-T-G. GRCh37 (hg19) VCF-style: chr17-29576087-T-G.
Other names: c.4060T>G, p.Ser1354Ala (NM_000267.4); short protein forms S1354A.
Identifiers: ClinVar variation 4760301 (VCV004760301.1).

ClinVar aggregate classification (germline): Uncertain significance (1 of 4 stars; one submission).

Conditions:
Neurofibromatosis, type 1 (NF1). Also called: VON RECKLINGHAUSEN DISEASE; Neurofibromatosis, type I; NEUROFIBROMATOSIS, TYPE I, SOMATIC; Peripheral type neurofibromatosis. Identifiers: Orphanet 636, MedGen C0027831, MONDO:0018975, OMIM 162200. Disease mechanism: loss of function.

Submission:

Labcorp Genetics (formerly Invitae), Labcorp
Classification: Uncertain significance for Neurofibromatosis, type 1. Last evaluated: 2025-09-15. Review status: criteria provided, single submitter. Criteria: Invitae Variant Classification Sherloc (09022015). Collection method: clinical testing. Allele origin: germline.
Comment: This sequence change replaces serine, which is neutral and polar, with alanine, which is neutral and non-polar, at codon 1354 of the NF1 protein (p.Ser1354Ala). This variant is not present in population databases (gnomAD no frequency). This variant has not been reported in the literature in individuals affected with NF1-related conditions. Invitae Evidence Modeling of protein sequence and biophysical properties (such as structural, functional, and spatial information, amino acid conservation, physicochemical variation, residue mobility, and thermodynamic stability) indicates that this missense variant is not expected to disrupt NF1 protein function with a negative predictive value of 95%. In summary, the available evidence is currently insufficient to determine the role of this variant in disease. Therefore, it has been classified as a Variant of Uncertain Significance.